The following is an entry in ClinVar:

ClinVar aggregate classification (germline): Uncertain significance (1 of 4 stars; one submission).

Conditions:
Familial sleep-related hypermotor epilepsy. Also called: Autosomal Dominant Sleep-Related Hypermotor (Hyperkinetic) Epilepsy. Identifiers: Orphanet 98784, MedGen C3696898, MONDO:0000030.

gnomAD v4.1: 5 of 1,611,716 alleles (0.00031%); highest among the groups gnomAD compares: Admixed American, 0.0083%; no homozygotes.

Submission:

Labcorp Genetics (formerly Invitae), Labcorp
Classification: Uncertain significance for Familial sleep-related hypermotor epilepsy. Last evaluated: 2022-07-19. Review status: criteria provided, single submitter. Criteria: Invitae Variant Classification Sherloc (09022015). Collection method: clinical testing. Allele origin: germline.
Comment: This sequence change replaces proline, which is neutral and non-polar, with leucine, which is neutral and non-polar, at codon 122 of the PRIMA1 protein (p.Pro122Leu). The frequency data for this variant in the population databases is considered unreliable, as metrics indicate poor data quality at this position in the gnomAD database. This variant has not been reported in the literature in individuals affected with PRIMA1-related conditions. ClinVar contains an entry for this variant (Variation ID: 1019024). Algorithms developed to predict the effect of missense changes on protein structure and function (SIFT, PolyPhen-2, Align-GVGD) all suggest that this variant is likely to be tolerated. In summary, the available evidence is currently insufficient to determine the role of this variant in disease. Therefore, it has been classified as a Variant of Uncertain Significance.

NM_178013.4(PRIMA1):c.365C>T (p.Pro122Leu)

Gene: PRIMA1 (proline rich membrane anchor 1; minus strand). Cytogenetic location: 14q32.12.
Variant type: single nucleotide variant.
Coding change: c.365C>T on transcript NM_178013.4 (MANE Select); coding-DNA position 365, C replaced by T.
Protein change: p.Pro122Leu; replaces proline 122 with leucine.
Molecular consequence: missense variant.
Genome position (GRCh38, 1-based): chr14:93,721,541, G>A on the plus strand (C>T on the coding strand, the complement: PRIMA1 is on the minus strand). VCF-style: chr14-93721541-G-A. GRCh37 (hg19) VCF-style: chr14-94187887-G-A.
Other names: short protein forms P122L.
Identifiers: ClinVar variation 1019024 (VCV001019024.4), dbSNP rs748353542, ClinGen allele CA265791231.